The following is an entry in ClinVar:

ClinVar aggregate classification (germline): Benign/Likely benign. Review status: criteria provided, multiple submitters, no conflicts (2 of 4 stars). 4 submissions from 4 submitters: Benign (2); Likely benign (1). 1 of the submissions does not count toward it. Last evaluated 2024-11-27.

Conditions:
Inborn genetic diseases. Identifiers: MedGen C0950123, MeSH D030342.
HOXA1-related syndrome. Also called: HOXA1-related disorder; HOXA1-Related Disorders; HOXA1-related condition; Human HOXA1 syndromes. Identifiers: MedGen CN381531, MONDO:0011099.

Allele frequency attached by ClinVar (database versions not stated): gnomAD 0.02407 and 0.02428; gnomAD exomes 0.03020 and 0.04935; ExAC 0.03879.

Submissions (4):

Blueprint Genetics
Classification: Benign. Last evaluated: 2024-11-27. Review status: criteria provided, single submitter. Criteria: ACMG Guidelines, 2015. Collection method: clinical testing. Allele origin: germline.

Ambry Genetics
Classification: Benign for Inborn genetic diseases. Last evaluated: 2016-03-13. Review status: criteria provided, single submitter. Criteria: Ambry Variant Classification Scheme 2023. Collection method: clinical testing. Allele origin: germline.

Breakthrough Genomics
Classification: Likely benign. Review status: criteria provided, single submitter. Criteria: ACMG Guidelines, 2015. Collection method: not provided. Allele origin: germline. Inheritance: Autosomal recessive inheritance. Affected: yes.

PreventionGenetics, part of Exact Sciences
Classification: Benign for HOXA1-related condition. Last evaluated: 2019-06-07. Review status: no assertion criteria provided. Collection method: clinical testing. Allele origin: germline. Not counted in ClinVar's aggregate classification.
Comment: This variant is classified as benign based on ACMG/AMP sequence variant interpretation guidelines (Richards et al. 2015 PMID: 25741868, with internal and published modifications).

NM_005522.5(HOXA1):c.213C>T (p.His71=)

Gene: HOXA1 (homeobox A1; minus strand). Cytogenetic location: 7p15.2.
Variant type: single nucleotide variant.
Coding change: c.213C>T on transcript NM_005522.5 (MANE Select); coding-DNA position 213, C replaced by T.
Protein change: p.His71=; no amino-acid change (histidine 71 retained).
Molecular consequence: synonymous variant.
Genome position (GRCh38, 1-based): chr7:27,095,700, G>A on the plus strand (C>T on the coding strand, the complement: HOXA1 is on the minus strand). VCF-style: chr7-27095700-G-A. GRCh37 (hg19) VCF-style: chr7-27135319-G-A.
Other names: c.213C>T, p.His71= (NM_153620.3).
Identifiers: ClinVar variation 359966 (VCV000359966.13), dbSNP rs2074398, ClinGen allele CA4196000.